The following is an entry in ClinVar:

ClinVar aggregate classification (germline): Uncertain significance (1 of 4 stars; one submission).

Conditions:
Catecholaminergic polymorphic ventricular tachycardia 1. Also called: VENTRICULAR TACHYCARDIA, STRESS-INDUCED POLYMORPHIC 1; VENTRICULAR TACHYCARDIA, CATECHOLAMINERGIC POLYMORPHIC, 1, WITH OR WITHOUT ATRIAL DYSFUNCTION AND/OR DILATED CARDIOMYOPATHY; RYR2-Related Catecholaminergic Polymorphic Ventricular Tachycardia. Identifiers: Orphanet 3286, MedGen C1631597, MONDO:0011484, OMIM 604772.

Allele frequency attached by ClinVar (database versions not stated): gnomAD exomes below 0.00001; ExAC 0.00001.
gnomAD v4.1: 2 of 1,612,988 alleles (0.00012%); highest among the groups gnomAD compares: South Asian, 0.0011%; no homozygotes.

Submission:

Labcorp Genetics (formerly Invitae), Labcorp
Classification: Uncertain significance for Catecholaminergic polymorphic ventricular tachycardia 1. Last evaluated: 2024-10-15. Review status: criteria provided, single submitter. Criteria: Invitae Variant Classification Sherloc (09022015). Collection method: clinical testing. Allele origin: germline.
Comment: This sequence change replaces lysine, which is basic and polar, with glutamic acid, which is acidic and polar, at codon 3328 of the RYR2 protein (p.Lys3328Glu). This variant is present in population databases (rs763136948, gnomAD 0.003%). This variant has not been reported in the literature in individuals affected with RYR2-related conditions. ClinVar contains an entry for this variant (Variation ID: 1367906). Invitae Evidence Modeling of protein sequence and biophysical properties (such as structural, functional, and spatial information, amino acid conservation, physicochemical variation, residue mobility, and thermodynamic stability) has been performed for this missense variant. However, the output from this modeling did not meet the statistical confidence thresholds required to predict the impact of this variant on RYR2 protein function. In summary, the available evidence is currently insufficient to determine the role of this variant in disease. Therefore, it has been classified as a Variant of Uncertain Significance.

NM_001035.3(RYR2):c.9982A>G (p.Lys3328Glu)

Gene: RYR2 (ryanodine receptor 2; plus strand). Cytogenetic location: 1q43.
Variant type: single nucleotide variant.
Coding change: c.9982A>G on transcript NM_001035.3 (MANE Select); coding-DNA position 9982, A replaced by G.
Protein change: p.Lys3328Glu; replaces lysine 3328 with glutamic acid.
Molecular consequence: missense variant.
Genome position (GRCh38, 1-based): chr1:237,708,938, A>G. VCF-style: chr1-237708938-A-G. GRCh37 (hg19) VCF-style: chr1-237872238-A-G.
Other names: short protein forms K3328E.
Identifiers: ClinVar variation 1367906 (VCV001367906.9), dbSNP rs763136948, ClinGen allele CA087990.